The following is an entry in ClinVar:

ClinVar aggregate classification (germline): Uncertain significance. Review status: criteria provided, multiple submitters, no conflicts (2 of 4 stars). 6 submissions from 6 submitters: Uncertain significance (6). Last evaluated 2025-11-01.

Conditions:
Cardiovascular phenotype. Identifiers: MedGen CN230736.
Myopathy, myosin storage, autosomal recessive (CMYO7B). Also called: CONGENITAL MYOPATHY 7B, MYOSIN STORAGE, AUTOSOMAL RECESSIVE. Identifiers: Orphanet 636970, MedGen C1850709, MONDO:0009708, OMIM 255160.
MYH7-related skeletal myopathy. Also called: Laing early-onset distal myopathy; Myopathy, distal, 1; Laing distal myopathy; MYOPATHY, DISTAL, EARLY-ONSET, AUTOSOMAL DOMINANT; MYOPATHY, LATE DISTAL HEREDITARY. Identifiers: Orphanet 59135, MedGen C4552004, MONDO:0008050, OMIM 160500.
Hypertrophic cardiomyopathy 1 (CMH1). Also called: MYH7-Related Familial Hypertrophic Cardiomyopathy; Familial hypertrophic cardiomyopathy 1. Identifiers: MedGen C3495498, MONDO:0008647, OMIM 192600.
Myosin storage myopathy (CMYO7A). Also called: MYH7-related late-onset scapuloperoneal muscular dystrophy; Congenital myopathy 7A, myosin storage, autosomal dominant; MYOPATHY WITH LYSIS OF TYPE I MYOFIBRILS; SCAPULOPERONEAL MUSCULAR DYSTROPHY; SCAPULOPERONEAL SYNDROME, MYOPATHIC TYPE; MYOPATHY, HYALINE BODY, AUTOSOMAL DOMINANT. Identifiers: Orphanet 437572, Orphanet 636965, MedGen C1842160, MONDO:0008409, OMIM 608358.
Congenital myopathy with fiber type disproportion. Also called: Congenital fiber-type disproportion; Congenital fiber-type disproportion myopathy. Identifiers: Orphanet 2020, MedGen C0546264, MONDO:0009711. Inheritance: all.
Dilated cardiomyopathy 1S (CMD1S). Identifiers: Orphanet 154, Orphanet 54260, MedGen C1834481, MONDO:0013262, OMIM 613426.
Cardiomyopathy (CMYO). Also called: Cardiomyopathies. Identifiers: Orphanet 167848, MedGen C0878544, MONDO:0004994, HP:0001638. Inheritance: Various modes of inheritance.
Hypertrophic cardiomyopathy. Also called: HYPERTROPHIC MYOCARDIOPATHY. Identifiers: Orphanet 217569, MedGen C0007194, MeSH D002312, MONDO:0005045, HP:0001639.

Submissions (6):

Labcorp Genetics (formerly Invitae), Labcorp
Classification: Uncertain significance for Hypertrophic cardiomyopathy. Last evaluated: 2025-11-01. Review status: criteria provided, single submitter. Criteria: Invitae Variant Classification Sherloc (09022015). Collection method: clinical testing. Allele origin: germline.
Comment: This sequence change creates a premature translational stop signal (p.Asp685Thrfs*41) in the MYH7 gene. It is expected to result in an absent or disrupted protein product. However, the current clinical and genetic evidence is not sufficient to establish whether loss-of-function variants in MYH7 cause disease. This variant is not present in population databases (gnomAD no frequency). This variant has not been reported in the literature in individuals affected with MYH7-related conditions. ClinVar contains an entry for this variant (Variation ID: 578491). In summary, the available evidence is currently insufficient to determine the role of this variant in disease. Therefore, it has been classified as a Variant of Uncertain Significance.

Ambry Genetics
Classification: Uncertain significance for Cardiovascular phenotype. Last evaluated: 2025-03-06. Review status: criteria provided, single submitter. Criteria: Ambry Variant Classification Scheme 2023. Collection method: clinical testing. Allele origin: germline.
Comment: The c.2053delG variant, located in coding exon 17 of the MYH7 gene, results from a deletion of one nucleotide at nucleotide position 2053, causing a translational frameshift with a predicted alternate stop codon (p.D685Tfs*41). This variant has been reported in a biobank cohort (Park J et al. Hum Mol Genet, 2022 Mar;31:827-837). This alteration is expected to result in protein truncation or nonsense-mediated mRNA decay. However, loss of function of MYH7 has not been established as a mechanism of disease. Based on the available evidence, the clinical significance of this alteration remains unclear.

Color Diagnostics, LLC DBA Color Health
Classification: Uncertain significance for Cardiomyopathy. Last evaluated: 2024-06-05. Review status: criteria provided, single submitter. Criteria: ACMG Guidelines, 2015. Collection method: clinical testing. Allele origin: germline.
Comment: This variant deletes 1 nucleotide in exon 19 of the MYH7 gene, creating a frameshift and premature translation stop signal. This variant is expected to result in an absent or non-functional protein product. To our knowledge, this variant has not been reported in individuals affected with MYH7-related disorders in the literature. This variant has not been identified in the general population by the Genome Aggregation Database (gnomAD). Clinical relevance of loss-of-function MYH7 truncation variants in autosomal dominant cardiovascular disorders is not clearly established. The available evidence is insufficient to determine the role of this variant in disease conclusively. Therefore, this variant is classified as a Variant of Uncertain Significance.

Fulgent Genetics
Classification: Uncertain significance for MYH7-related skeletal myopathy; Myosin storage myopathy; Hypertrophic cardiomyopathy 1; Myopathy, myosin storage, autosomal recessive; Congenital myopathy 4A, autosomal dominant; Dilated cardiomyopathy 1S. Last evaluated: 2021-08-12. Review status: criteria provided, single submitter. Criteria: ACMG Guidelines, 2015. Collection method: clinical testing. Allele origin: unknown.

Revvity Omics, Revvity
Classification: Uncertain significance. Last evaluated: 2020-11-20. Review status: criteria provided, single submitter. Criteria: ACMG Guidelines, 2015. Collection method: clinical testing. Allele origin: germline.

Blueprint Genetics
Classification: Uncertain significance. Last evaluated: 2020-11-09. Review status: criteria provided, single submitter. Criteria: ACMG Guidelines, 2015. Collection method: clinical testing. Allele origin: germline.

Literature cited by the submitters: PubMed 34542152 (cited by Ambry Genetics).

NM_000257.4(MYH7):c.2053del (p.Asp685fs)

Gene: MYH7 (myosin heavy chain 7; minus strand). Cytogenetic location: 14q11.2.
Variant type: Deletion.
Coding change: c.2053del on transcript NM_000257.4 (MANE Select); coding-DNA position 2053, one base deleted (G; older notation c.2053delG).
Protein change: p.Asp685fs; shifts the reading frame from aspartic acid 685.
Molecular consequence: frameshift variant.
Genome position (GRCh38, 1-based): chr14:23,426,073, C deleted on the plus strand (G on the coding strand, the reverse complement: MYH7 is on the minus strand); the first of 2 consecutive C bases (chr14:23,426,073-23,426,074); deleting either gives the same sequence. VCF-style (leftmost placement, unchanged base first): chr14-23426072-TC-T. GRCh37 (hg19) VCF-style: chr14-23895281-TC-T.
Other names: c.2053delG (NM_000257.4); c.2053del (NM_000257.3, NM_000257.2); short protein forms D685fs.
Identifiers: ClinVar variation 578491 (VCV000578491.15), dbSNP rs1566532860, ClinGen allele CA891844299.